The following is an entry in ClinVar:

NM_012479.4(YWHAG):c.148A>C (p.Lys50Gln)

Gene: YWHAG (tyrosine 3-monooxygenase/tryptophan 5-monooxygenase activation protein gamma; minus strand). Cytogenetic location: 7q11.23.
Variant type: single nucleotide variant.
Coding change: c.148A>C on transcript NM_012479.4 (MANE Select); coding-DNA position 148, A replaced by C.
Protein change: p.Lys50Gln; replaces lysine 50 with glutamine.
Molecular consequence: missense variant.
Genome position (GRCh38, 1-based): chr7:76,330,173, T>G on the plus strand (A>C on the coding strand, the complement: YWHAG is on the minus strand). VCF-style: chr7-76330173-T-G. GRCh37 (hg19) VCF-style: chr7-75959490-T-G.
Other names: NM_012479.3:c.148A>C(p.Lys50Gln); short protein forms K50Q.
Identifiers: ClinVar variation 549487 (VCV000549487.1), dbSNP rs1554616652, ClinGen allele CA367778044.

ClinVar aggregate classification (germline): Uncertain significance (1 of 4 stars; one submission).

Conditions:
Developmental and epileptic encephalopathy, 56. Also called: EPILEPTIC ENCEPHALOPATHY, EARLY INFANTILE, 56. Identifiers: MedGen C4540034, MONDO:0033365, OMIM 617665.

Submission:

SIB Swiss Institute of Bioinformatics
Classification: Uncertain significance for Developmental and epileptic encephalopathy, 56. Last evaluated: 2018-04-16. Review status: criteria provided, single submitter. Criteria: ACMG Guidelines, 2015. Collection method: curation. Allele origin: germline.
Comment: This variant is interpreted as a Uncertain Significance, for Autism, Multifactorial. The following ACMG Tag(s) were applied: PM2 => Absent from controls (or at extremely low frequency if recessive) in Exome Sequencing Project, 1000 Genomes Project, or Exome Aggregation Consortium. PP3 => Multiple lines of computational evidence support a deleterious effect on the gene or gene product. PM6 => Assumed de novo, but without confirmation of paternity and maternity (PMID:28777935).

Literature cited by the submitters: PubMed 28777935.